The following is an entry in ClinVar:

ClinVar aggregate classification (germline): Uncertain significance. Review status: criteria provided, multiple submitters, no conflicts (2 of 4 stars). 2 submissions from 2 submitters: Uncertain significance (2). Last evaluated 2025-09-27.

Conditions:
Early-infantile DEE. Also called: Ohtahara syndrome; Early infantile epileptic encephalopathy with suppression bursts; Early infantile epileptic encephalopathy. Identifiers: Orphanet 1934, MedGen C0393706, MONDO:0800491.

Allele frequency attached by ClinVar (database versions not stated): gnomAD exomes below 0.00001.
gnomAD v4.1: 7 of 1,614,184 alleles (0.00043%); highest among the groups gnomAD compares: Non-Finnish European, 0.00059%; no homozygotes.

Submissions (2):

Labcorp Genetics (formerly Invitae), Labcorp
Classification: Uncertain significance for Early-infantile DEE. Last evaluated: 2025-09-27. Review status: criteria provided, single submitter. Criteria: Invitae Variant Classification Sherloc (09022015). Collection method: clinical testing. Allele origin: germline.
Comment: This sequence change replaces asparagine, which is neutral and polar, with serine, which is neutral and polar, at codon 541 of the SCN1A protein (p.Asn541Ser). This variant is not present in population databases (gnomAD no frequency). This missense change has been observed in individual(s) with clinical features of SCN1A-related conditions (PMID: 36977636; internal data). ClinVar contains an entry for this variant (Variation ID: 1015183). Invitae Evidence Modeling of protein sequence and biophysical properties (such as structural, functional, and spatial information, amino acid conservation, physicochemical variation, residue mobility, and thermodynamic stability) indicates that this missense variant is not expected to disrupt SCN1A protein function with a negative predictive value of 95%. Experimental studies have shown that this missense change affects SCN1A function (PMID: 36977636). In summary, the available evidence is currently insufficient to determine the role of this variant in disease. Therefore, it has been classified as a Variant of Uncertain Significance.

GeneDx
Classification: Uncertain significance. Last evaluated: 2022-08-24. Review status: criteria provided, single submitter. Criteria: GeneDx Variant Classification Process June 2021. Collection method: clinical testing. Allele origin: germline. Affected: yes.
Comment: Not observed in large population cohorts (gnomAD); Missense variants in this gene are often considered pathogenic (HGMD); In silico analysis supports that this missense variant has a deleterious effect on protein structure/function; This substitution is predicted to be within the N-terminal cytoplasmic domain between the first and second homologous domains; Identified in an individual in the literature with epilepsy who inherited the variant from their unaffected parent (Knierim et al., 2018); however, this publication has not been published in a peer-reviewed journal; This variant is associated with the following publications: (PMID: Knierim2018[PrePrint])

Literature cited by the submitters: PubMed 36977636 (cited by Labcorp Genetics (formerly Invitae), Labcorp).

NM_001165963.4(SCN1A):c.1622A>G (p.Asn541Ser)

Gene: SCN1A (sodium voltage-gated channel alpha subunit 1; minus strand). Cytogenetic location: 2q24.3.
Variant type: single nucleotide variant.
Coding change: c.1622A>G on transcript NM_001165963.4 (MANE Select); coding-DNA position 1622, A replaced by G.
Protein change: p.Asn541Ser; replaces asparagine 541 with serine.
Molecular consequence: missense variant. On other transcripts: 5 prime UTR variant (1), non-coding transcript variant (1).
Genome position (GRCh38, 1-based): chr2:166,045,083, T>C on the plus strand (A>G on the coding strand, the complement: SCN1A is on the minus strand). VCF-style: chr2-166045083-T-C. GRCh37 (hg19) VCF-style: chr2-166901593-T-C.
Other names: c.1622A>G, p.Asn541Ser (NM_001165964.3, NM_001202435.3, NM_001353948.2 and 7 more transcripts); c.1619A>G, p.Asn540Ser (NM_001353954.2, NM_001353955.2, NM_001353960.2); c.-804A>G (NM_001353961.2); short protein forms N540S, N541S.
Identifiers: ClinVar variation 1015183 (VCV001015183.13), dbSNP rs1697635871, ClinGen allele CA349069125.